The following is an entry in ClinVar:

NM_018993.4(RIN2):c.536G>C (p.Arg179Thr)

Gene: RIN2 (Ras and Rab interactor 2; plus strand). Cytogenetic location: 20p11.23.
Variant type: single nucleotide variant.
Coding change: c.536G>C on transcript NM_018993.4 (MANE Select); coding-DNA position 536, G replaced by C.
Protein change: p.Arg179Thr; replaces arginine 179 with threonine.
Molecular consequence: missense variant. On other transcripts: intron variant (1).
Genome position (GRCh38, 1-based): chr20:19,965,024, G>C. VCF-style: chr20-19965024-G-C. GRCh37 (hg19) VCF-style: chr20-19945668-G-C.
Other names: c.683G>C, p.Arg228Thr (NM_001242581.2); c.-83+4213G>C (NM_001378238.1); short protein forms R228T, R179T.
Identifiers: ClinVar variation 2018737 (VCV002018737.4), dbSNP rs2515442877, ClinGen allele CA408357762.

ClinVar aggregate classification (germline): Uncertain significance (1 of 4 stars; one submission).

Allele frequency attached by ClinVar (database versions not stated): gnomAD exomes below 0.00001.
gnomAD v4.1: 1 of 1,611,404 alleles (0.000062%); highest among the groups gnomAD compares: South Asian, 0.0011%; no homozygotes.

Submission:

Labcorp Genetics (formerly Invitae), Labcorp
Classification: Uncertain significance. Last evaluated: 2022-08-03. Review status: criteria provided, single submitter. Criteria: Invitae Variant Classification Sherloc (09022015). Collection method: clinical testing. Allele origin: germline.
Comment: In summary, the available evidence is currently insufficient to determine the role of this variant in disease. Therefore, it has been classified as a Variant of Uncertain Significance. Variants that disrupt the consensus splice site are a relatively common cause of aberrant splicing (PMID: 17576681, 9536098). Algorithms developed to predict the effect of sequence changes on RNA splicing suggest that this variant may disrupt the consensus splice site. Algorithms developed to predict the effect of missense changes on protein structure and function are either unavailable or do not agree on the potential impact of this missense change (SIFT: "Tolerated"; PolyPhen-2: "Not Available"; Align-GVGD: "Class C0"). This variant has not been reported in the literature in individuals affected with RIN2-related conditions. This variant is not present in population databases (gnomAD no frequency). This sequence change replaces arginine, which is basic and polar, with threonine, which is neutral and polar, at codon 179 of the RIN2 protein (p.Arg179Thr). This variant also falls at the last nucleotide of exon 5, which is part of the consensus splice site for this exon.

Literature cited by the submitters: PubMed 17576681; PubMed 9536098.